The following is an entry in ClinVar:

ClinVar aggregate classification (germline): Pathogenic. Review status: criteria provided, multiple submitters, no conflicts (2 of 4 stars). 2 submissions from 2 submitters: Pathogenic (2). Last evaluated 2025-12-17.

Conditions:
Cerebral cavernous malformation (CCM). Also called: CAVERNOUS ANGIOMATOUS MALFORMATIONS; CEREBRAL CAPILLARY MALFORMATIONS; Cerebral cavernous malformations; Cerebral cavernous hemangioma (type); CAVERNOUS ANGIOMA, FAMILIAL; Cavernous Hemangioma of Brain. Identifiers: Orphanet 221061, MedGen C2919945, MONDO:0000820, OMIM 116860, HP:0033522.

Submissions (2):

Labcorp Genetics (formerly Invitae), Labcorp
Classification: Pathogenic for Cerebral cavernous malformation. Last evaluated: 2025-12-17. Review status: criteria provided, single submitter. Criteria: Invitae Variant Classification Sherloc (09022015). Collection method: clinical testing. Allele origin: germline.
Comment: This sequence change creates a premature translational stop signal (p.Gln446*) in the KRIT1 gene. It is expected to result in an absent or disrupted protein product. Loss-of-function variants in KRIT1 are known to be pathogenic (PMID: 10508515, 11222804, 12404106, 24689081). This variant is not present in population databases (gnomAD no frequency). This premature translational stop signal has been observed in individual(s) with cerebral cavernous malformations (PMID: 33891857). ClinVar contains an entry for this variant (Variation ID: 1452958). Algorithms developed to predict the effect of sequence changes on RNA splicing suggest that this variant may disrupt the consensus splice site. For these reasons, this variant has been classified as Pathogenic.

Clinical Genetics Laboratory, Skane University Hospital Lund
Classification: Pathogenic. Last evaluated: 2022-07-07. Review status: criteria provided, single submitter. Criteria: ACMG Guidelines, 2015. Collection method: clinical testing. Allele origin: germline. Affected: yes.

Literature cited by the submitters: PubMed 10508515 (cited by Labcorp Genetics (formerly Invitae), Labcorp); PubMed 11222804 (cited by Labcorp Genetics (formerly Invitae), Labcorp); PubMed 12404106 (cited by Labcorp Genetics (formerly Invitae), Labcorp); PubMed 24689081 (cited by Labcorp Genetics (formerly Invitae), Labcorp); PubMed 33891857 (cited by Labcorp Genetics (formerly Invitae), Labcorp).

NM_194454.3(KRIT1):c.1336C>T (p.Gln446Ter)

Gene: KRIT1 (KRIT1 ankyrin repeat containing; minus strand). Cytogenetic location: 7q21.2.
Variant type: single nucleotide variant.
Coding change: c.1336C>T on transcript NM_194454.3 (MANE Select); coding-DNA position 1336, C replaced by T.
Protein change: p.Gln446Ter; replaces glutamine 446 with a stop codon.
Molecular consequence: nonsense.
Genome position (GRCh38, 1-based): chr7:92,222,897, G>A on the plus strand (C>T on the coding strand, the complement: KRIT1 is on the minus strand). VCF-style: chr7-92222897-G-A. GRCh37 (hg19) VCF-style: chr7-91852211-G-A.
Other names: c.1192C>T, p.Gln398Ter (NM_001013406.2, NM_001350669.1, NM_001350670.1); c.622C>T, p.Gln208Ter (NM_001350671.1); c.1336C>T, p.Gln446Ter (NM_001350672.1, NM_001350673.1, NM_001350674.1 and 26 more transcripts); short protein forms Q208*, Q398*, Q446*.
Identifiers: ClinVar variation 1452958 (VCV001452958.7), dbSNP rs2131453888, ClinGen allele CA368147496.